The following is an entry in ClinVar:

NM_198282.4(STING1):c.40del (p.Arg14fs)

Gene: STING1 (stimulator of interferon response cGAMP interactor 1; minus strand). Cytogenetic location: 5q31.2.
Variant type: Deletion.
Coding change: c.40del on transcript NM_198282.4 (MANE Select); coding-DNA position 40, one base deleted (A; older notation c.40delA).
Protein change: p.Arg14fs; shifts the reading frame from arginine 14.
Molecular consequence: frameshift variant. On other transcripts: intron variant (1).
Genome position (GRCh38, 1-based): chr5:139,481,665, T deleted on the plus strand (A on the coding strand, the reverse complement: STING1 is on the minus strand). VCF-style (leftmost placement, unchanged base first): chr5-139481664-CT-C. GRCh37 (hg19) VCF-style: chr5-138861249-CT-C.
Other names: c.40del, p.Arg14fs (NM_001301738.2); c.-130-323del (NM_001367258.1); short protein forms R14fs.
Identifiers: ClinVar variation 2709732 (VCV002709732.3), dbSNP rs2547066756, ClinGen allele CA2697546531.

ClinVar aggregate classification (germline): Uncertain significance (1 of 4 stars; one submission).

Conditions:
STING-associated vasculopathy with onset in infancy. Also called: Sting-associated vasculopathy, infantile-onset. Identifiers: Orphanet 425120, MedGen C4014722, MONDO:0014405, OMIM 615934.

Submission:

Labcorp Genetics (formerly Invitae), Labcorp
Classification: Uncertain significance for STING-associated vasculopathy with onset in infancy. Last evaluated: 2024-01-16. Review status: criteria provided, single submitter. Criteria: Invitae Variant Classification Sherloc (09022015). Collection method: clinical testing. Allele origin: germline.
Comment: This sequence change creates a premature translational stop signal (p.Arg14Glyfs*13) in the TMEM173 gene. It is expected to result in an absent or disrupted protein product. However, the current clinical and genetic evidence is not sufficient to establish whether loss-of-function variants in TMEM173 cause disease. This variant is not present in population databases (gnomAD no frequency). This variant has not been reported in the literature in individuals affected with TMEM173-related conditions. In summary, the available evidence is currently insufficient to determine the role of this variant in disease. Therefore, it has been classified as a Variant of Uncertain Significance.